The following is an entry in ClinVar:

NM_175875.5(SIX5):c.1027G>A (p.Val343Ile)

Genes: SIX5 (SIX homeobox 5; minus strand), LOC107075317 (origin of replication in DMPK trinucleotide repeat region; plus strand). Cytogenetic location: 19q13.32.
Variant type: single nucleotide variant.
Coding change: c.1027G>A on transcript NM_175875.5 (MANE Select); coding-DNA position 1027, G replaced by A.
Protein change: p.Val343Ile; replaces valine 343 with isoleucine.
Molecular consequence: missense variant.
Genome position (GRCh38, 1-based): chr19:45,766,932, C>T on the plus strand (G>A on the coding strand, the complement: SIX5 is on the minus strand). VCF-style: chr19-45766932-C-T. GRCh37 (hg19) VCF-style: chr19-46270190-C-T.
Other names: c.1027G>A (NM_175875.4); short protein forms V343I.
Identifiers: ClinVar variation 2801893 (VCV002801893.4), dbSNP rs746285487, ClinGen allele CA9520686.

ClinVar aggregate classification (germline): Uncertain significance. Review status: criteria provided, multiple submitters, no conflicts (2 of 4 stars). 2 submissions from 2 submitters: Uncertain significance (2). Last evaluated 2025-01-08.

Allele frequency attached by ClinVar (database versions not stated): gnomAD exomes below 0.00001; TOPMed 0.00001; gnomAD 0.00002; ExAC 0.00005.
gnomAD v4.1: 7 of 1,567,394 alleles (0.00045%); highest among the groups gnomAD compares: African/African-American, 0.0027%; no homozygotes.

Submissions (2):

Ambry Genetics
Classification: Uncertain significance. Last evaluated: 2025-01-08. Review status: criteria provided, single submitter. Criteria: Ambry Variant Classification Scheme 2023. Collection method: clinical testing. Allele origin: germline.

Labcorp Genetics (formerly Invitae), Labcorp
Classification: Uncertain significance. Last evaluated: 2023-11-04. Review status: criteria provided, single submitter. Criteria: Invitae Variant Classification Sherloc (09022015). Collection method: clinical testing. Allele origin: germline.
Comment: This sequence change replaces valine, which is neutral and non-polar, with isoleucine, which is neutral and non-polar, at codon 343 of the SIX5 protein (p.Val343Ile). The frequency data for this variant in the population databases is considered unreliable, as metrics indicate poor data quality at this position in the gnomAD database. This variant has not been reported in the literature in individuals affected with SIX5-related conditions. Advanced modeling of protein sequence and biophysical properties (such as structural, functional, and spatial information, amino acid conservation, physicochemical variation, residue mobility, and thermodynamic stability) performed at Invitae indicates that this missense variant is not expected to disrupt SIX5 protein function with a negative predictive value of 80%. In summary, the available evidence is currently insufficient to determine the role of this variant in disease. Therefore, it has been classified as a Variant of Uncertain Significance.